The following is an entry in ClinVar:

NM_004960.4(FUS):c.132C>T (p.Ser44=)

Gene: FUS (FUS DNA/RNA binding protein; plus strand). Cytogenetic location: 16p11.2.
Variant type: single nucleotide variant.
Coding change: c.132C>T on transcript NM_004960.4 (MANE Select); coding-DNA position 132, C replaced by T.
Protein change: p.Ser44=; no amino-acid change (serine 44 retained).
Molecular consequence: synonymous variant. On other transcripts: non-coding transcript variant (1).
Genome position (GRCh38, 1-based): chr16:31,182,606, C>T. VCF-style: chr16-31182606-C-T. GRCh37 (hg19) VCF-style: chr16-31193927-C-T.
Other names: c.132C>T, p.Ser44= (NM_001170634.1, NM_001170937.1).
Identifiers: ClinVar variation 704955 (VCV000704955.29), dbSNP rs72550883, ClinGen allele CA8023447.
Genomic context (GRCh38, chr16:31,182,606, plus strand): 5'-CTATTCCCAGCAGAGCAGTCAGCCCTACGGACAGCAGAGTTACAGTGGTTATAGCCAGTC[C>T]ACGGACACTTCAGGCTATGGCCAGAGCAGCTATTCTTCTTATGGCCAGAGCCAGAACAGT-3'
Protein context (NP_004951.1, residues 34-54): GQQSYSGYSQ[Ser44=]TDTSGYGQSS

ClinVar aggregate classification (germline): Benign/Likely benign. Review status: criteria provided, multiple submitters, no conflicts (2 of 4 stars). 4 submissions from 4 submitters: Benign (2); Likely benign (2). Last evaluated 2025-08-18.

Conditions:
Inborn genetic diseases. Identifiers: MedGen C0950123, MeSH D030342.
Tremor, hereditary essential, 4 (ETM4). Identifiers: MedGen C3539195, MONDO:0013888, OMIM 614782.
Amyotrophic lateral sclerosis type 6. Also called: FUS-Related Amyotrophic Laterial Sclerosis; AMYOTROPHIC LATERAL SCLEROSIS 6 WITHOUT FRONTOTEMPORAL DEMENTIA; Amyotrophic lateral sclerosis 6, with or without frontotemporal dementia. Identifiers: Orphanet 275872, Orphanet 803, MedGen C2931786, MONDO:0011951, OMIM 608030.

Allele frequency attached by ClinVar (database versions not stated): TOPMed 0.00012; ESP Exome Variant Server 0.00015; gnomAD 0.00015 and 0.00020; gnomAD exomes 0.00029; ExAC 0.00035.

Submissions (4):

Labcorp Genetics (formerly Invitae), Labcorp
Classification: Benign for Tremor, hereditary essential, 4; Amyotrophic lateral sclerosis type 6. Last evaluated: 2025-08-18. Review status: criteria provided, single submitter. Criteria: Invitae Variant Classification Sherloc (09022015). Collection method: clinical testing. Allele origin: germline.

CeGaT Center for Human Genetics Tuebingen
Classification: Likely benign. Last evaluated: 2024-08-01. Review status: criteria provided, single submitter. Criteria: CeGaT Center For Human Genetics Tuebingen Variant Classification Criteria Version 2. Collection method: clinical testing. Allele origin: germline. Affected: yes. Observed: 1 variant allele.
Comment: FUS: BP4, BP7

Ambry Genetics
Classification: Likely benign for Inborn genetic diseases. Last evaluated: 2022-06-12. Review status: criteria provided, single submitter. Criteria: Ambry Variant Classification Scheme 2023. Collection method: clinical testing. Allele origin: germline.

GeneDx
Classification: Benign. Last evaluated: 2020-02-26. Review status: criteria provided, single submitter. Criteria: GeneDx Variant Classification Process June 2021. Collection method: clinical testing. Allele origin: germline. Affected: yes.